The following is an entry in ClinVar:

NM_020166.5(MCCC1):c.1149A>C (p.Glu383Asp)

Gene: MCCC1 (methylcrotonyl-CoA carboxylase subunit 1; minus strand). Cytogenetic location: 3q27.1.
Variant type: single nucleotide variant.
Coding change: c.1149A>C on transcript NM_020166.5 (MANE Select); coding-DNA position 1149, A replaced by C.
Protein change: p.Glu383Asp; replaces glutamic acid 383 with aspartic acid.
Molecular consequence: missense variant. On other transcripts: non-coding transcript variant (2).
Genome position (GRCh38, 1-based): chr3:183,041,685, T>G on the plus strand (A>C on the coding strand, the complement: MCCC1 is on the minus strand). VCF-style: chr3-183041685-T-G. GRCh37 (hg19) VCF-style: chr3-182759473-T-G.
Other names: c.798A>C, p.Glu266Asp (NM_001293273.2); c.822A>C, p.Glu274Asp (NM_001363880.1); short protein forms E266D, E274D, E383D.
Identifiers: ClinVar variation 2414244 (VCV002414244.2), dbSNP rs764898307, ClinGen allele CA2718858.

ClinVar aggregate classification (germline): Uncertain significance (1 of 4 stars; one submission).

Conditions:
3-methylcrotonyl-CoA carboxylase 1 deficiency (MCC1D). Also called: MCCD TYPE 1; METHYLCROTONYLGLYCINURIA TYPE I; MCC 1 deficiency; 3 Alpha methylcrotonylglycinuria 1. Identifiers: Orphanet 6, MedGen CN028786, MONDO:0008861, OMIM 210200.

Allele frequency attached by ClinVar (database versions not stated): ExAC 0.00002; TOPMed 0.00004; gnomAD 0.00005; gnomAD exomes 0.00005.
gnomAD v4.1: 84 of 1,614,108 alleles (0.0052%); highest among the groups gnomAD compares: Non-Finnish European, 0.0069%; no homozygotes.

Submission:

Labcorp Genetics (formerly Invitae), Labcorp
Classification: Uncertain significance for 3-methylcrotonyl-CoA carboxylase 1 deficiency. Last evaluated: 2025-06-04. Review status: criteria provided, single submitter. Criteria: Invitae Variant Classification Sherloc (09022015). Collection method: clinical testing. Allele origin: germline.
Comment: This sequence change replaces glutamic acid, which is acidic and polar, with aspartic acid, which is acidic and polar, at codon 383 of the MCCC1 protein (p.Glu383Asp). This variant is present in population databases (rs764898307, gnomAD 0.007%). This variant has not been reported in the literature in individuals affected with MCCC1-related conditions. ClinVar contains an entry for this variant (Variation ID: 2414244). Invitae Evidence Modeling of protein sequence and biophysical properties (such as structural, functional, and spatial information, amino acid conservation, physicochemical variation, residue mobility, and thermodynamic stability) indicates that this missense variant is expected to disrupt MCCC1 protein function with a positive predictive value of 95%. In summary, the available evidence is currently insufficient to determine the role of this variant in disease. Therefore, it has been classified as a Variant of Uncertain Significance.